The following is an entry in ClinVar:

NM_020297.4(ABCC9):c.3772-10C>G

Genes: ABCC9 (ATP binding cassette subfamily C member 9; minus strand), KCNJ8-AS1 (KCNJ8 antisense RNA 1; plus strand). Cytogenetic location: 12p12.1.
Variant type: single nucleotide variant.
Coding change: c.3772-10C>G on transcript NM_020297.4 (MANE Select); 10 bases into the intron before coding-DNA position 3772, C replaced by G.
Molecular consequence: intron variant.
Genome position (GRCh38, 1-based): chr12:21,817,317, G>C on the plus strand (C>G on the coding strand, the complement: ABCC9 is on the minus strand). VCF-style: chr12-21817317-G-C. GRCh37 (hg19) VCF-style: chr12-21970251-G-C.
Other names: c.2905-10C>G (NM_001377274.1); c.3772-10C>G (NM_005691.4, NM_001377273.1).
Identifiers: ClinVar variation 2839367 (VCV002839367.3), dbSNP rs1315658031, ClinGen allele CA2739271889.

ClinVar aggregate classification (germline): Uncertain significance (1 of 4 stars; one submission).

Conditions:
Dilated cardiomyopathy 1O (CMD1O). Also called: CARDIOMYOPATHY, DILATED, WITH VENTRICULAR TACHYCARDIA. Identifiers: Orphanet 154, MedGen C1837839, MONDO:0012062, OMIM 608569.

Submission:

Labcorp Genetics (formerly Invitae), Labcorp
Classification: Uncertain significance for Dilated cardiomyopathy 1O. Last evaluated: 2023-02-21. Review status: criteria provided, single submitter. Criteria: Invitae Variant Classification Sherloc (09022015). Collection method: clinical testing. Allele origin: germline.
Comment: This variant is not present in population databases (gnomAD no frequency). This sequence change falls in intron 30 of the ABCC9 gene. It does not directly change the encoded amino acid sequence of the ABCC9 protein. In summary, the available evidence is currently insufficient to determine the role of this variant in disease. Therefore, it has been classified as a Variant of Uncertain Significance. Algorithms developed to predict the effect of sequence changes on RNA splicing suggest that this variant may disrupt the consensus splice site. This variant has not been reported in the literature in individuals affected with ABCC9-related conditions.